The following is an entry in ClinVar:

NM_001042492.3(NF1):c.6016C>G (p.Leu2006Val)

Gene: NF1 (neurofibromin 1; plus strand). Cytogenetic location: 17q11.2.
Variant type: single nucleotide variant.
Coding change: c.6016C>G on transcript NM_001042492.3 (MANE Select); coding-DNA position 6016, C replaced by G.
Protein change: p.Leu2006Val; replaces leucine 2006 with valine.
Molecular consequence: missense variant.
Genome position (GRCh38, 1-based): chr17:31,336,342, C>G. VCF-style: chr17-31336342-C-G. GRCh37 (hg19) VCF-style: chr17-29663360-C-G.
Other names: c.5953C>G, p.Leu1985Val (NM_000267.4); short protein forms L1985V, L2006V.
Identifiers: ClinVar variation 1318673 (VCV001318673.4), dbSNP rs2151553176, ClinGen allele CA399011016.

ClinVar aggregate classification (germline): Uncertain significance. Review status: criteria provided, multiple submitters, no conflicts (2 of 4 stars). 2 submissions from 2 submitters: Uncertain significance (2). Last evaluated 2025-06-11.

Conditions:
Hereditary cancer-predisposing syndrome. Also called: Hereditary neoplastic syndrome; Neoplastic Syndromes, Hereditary; Tumor predisposition; Hereditary Cancer Syndrome. Identifiers: Orphanet 140162, MedGen C0027672, MeSH D009386, MONDO:0015356.
Cardiovascular phenotype. Identifiers: MedGen CN230736.

Submissions (2):

GeneDx
Classification: Uncertain significance. Last evaluated: 2025-06-11. Review status: criteria provided, single submitter. Criteria: GeneDx Variant Classification Process June 2021. Collection method: clinical testing. Allele origin: germline. Affected: yes.
Comment: Not observed at significant frequency in large population cohorts (gnomAD); In silico analysis supports that this missense variant has a deleterious effect on protein structure/function; Has not been previously published as pathogenic or benign to our knowledge

Ambry Genetics
Classification: Uncertain significance for Cardiovascular phenotype; Hereditary cancer-predisposing syndrome. Last evaluated: 2025-04-10. Review status: criteria provided, single submitter. Criteria: Ambry Variant Classification Scheme 2023. Collection method: clinical testing. Allele origin: germline.
Comment: The p.L1985V variant (also known as c.5953C>G), located in coding exon 40 of the NF1 gene, results from a C to G substitution at nucleotide position 5953. The leucine at codon 1985 is replaced by valine, an amino acid with highly similar properties. This amino acid position is highly conserved in available vertebrate species. In addition, this alteration is predicted to be deleterious by in silico analysis. Based on the available evidence, the clinical significance of this variant remains unclear.